The following is an entry in ClinVar:

ClinVar aggregate classification (germline): Pathogenic (1 of 4 stars; one submission).

Submission:

CeGaT Center for Human Genetics Tuebingen
Classification: Pathogenic. Last evaluated: 2023-08-01. Review status: criteria provided, single submitter. Criteria: CeGaT Center For Human Genetics Tuebingen Variant Classification Criteria Version 2. Collection method: clinical testing. Allele origin: germline. Affected: yes. Observed: 1 variant allele.
Comment: EP300: PVS1, PS2, PM2

NM_001429.4(EP300):c.4213del (p.Arg1405fs)

Gene: EP300 (EP300 lysine acetyltransferase; plus strand). Cytogenetic location: 22q13.2.
Variant type: Deletion.
Coding change: c.4213del on transcript NM_001429.4 (MANE Select); coding-DNA position 4213, one base deleted (C; older notation c.4213delC).
Protein change: p.Arg1405fs; shifts the reading frame from arginine 1405.
Molecular consequence: frameshift variant.
Genome position (GRCh38, 1-based): chr22:41,169,543, C deleted; the last of 2 consecutive C bases (chr22:41,169,542-41,169,543); deleting either gives the same sequence. VCF-style (leftmost placement, unchanged base first): chr22-41169541-TC-T. GRCh37 (hg19) VCF-style: chr22-41565545-TC-T.
Other names: c.4135del, p.Arg1379fs (NM_001362843.2); short protein forms R1379fs, R1405fs.
Identifiers: ClinVar variation 2578923 (VCV002578923.25), dbSNP rs2517822614, ClinGen allele CA2580617871.